The following is an entry in ClinVar:

ClinVar aggregate classification (germline): Uncertain significance (1 of 4 stars; one submission).

Submission:

GeneDx
Classification: Uncertain significance. Last evaluated: 2025-06-18. Review status: criteria provided, single submitter. Criteria: GeneDx Variant Classification Process June 2021. Collection method: clinical testing. Allele origin: germline. Affected: yes.
Comment: In-frame deletion of 1 amino acid(s) in a non-repeat region; Not observed at significant frequency in large population cohorts (gnomAD); In silico analysis supports a deleterious effect on protein structure/function; Has not been previously published as pathogenic or benign to our knowledge

NM_001039469.3(MARK2):c.1391AGA[1] (p.Lys465del)

Gene: MARK2 (microtubule affinity regulating kinase 2; plus strand). Cytogenetic location: 11q13.1.
Variant type: Microsatellite.
Coding change: c.1391AGA[1] on transcript NM_001039469.3 (MANE Select); one copy of the 3-base unit AGA starting at c.1391; the reference has two copies in a row; one copy, 3 bases deleted.
Protein change: p.Lys465del; deletes lysine 465.
Genome position (GRCh38, 1-based): chr11:63,902,760-63,902,762, AGA deleted; deleting any 3 consecutive bases within chr11:63,902,755-63,902,762 gives the same sequence; the position shown is the placement nearest the transcript's 3' end. VCF-style (leftmost placement, unchanged base first): chr11-63902754-GGAA-G. GRCh37 (hg19) VCF-style: chr11-63670226-GGAA-G.
Other names: c.1391AGA[1], p.Lys465del (NM_001163296.2); c.1388AGA[1], p.Lys464del (NM_001163297.2, NM_004954.5); c.1289AGA[1], p.Lys431del (NM_017490.4); short protein forms K431del, K464del, K465del.
Identifiers: ClinVar variation 4538930 (VCV004538930.1).